The following is an entry in ClinVar:

NM_000091.5(COL4A3):c.1315+1G>A

Genes: COL4A3 (collagen type IV alpha 3 chain; plus strand), MFF-DT (MFF divergent transcript; minus strand). Cytogenetic location: 2q36.3.
Variant type: single nucleotide variant.
Coding change: c.1315+1G>A on transcript NM_000091.5 (MANE Select); the canonical splice donor site of the intron after coding-DNA position 1315, G replaced by A.
Molecular consequence: splice donor variant.
Genome position (GRCh38, 1-based): chr2:227,263,945, G>A. VCF-style: chr2-227263945-G-A. GRCh37 (hg19) VCF-style: chr2-228128661-G-A.
Identifiers: ClinVar variation 3699543 (VCV003699543.2).
Genomic context (GRCh38, chr2:227,263,945, plus strand): 5'-CCCCAGGTTGTGCTGGTTCACCAGGTCTTCCAGGATCACCGGGACCTCCAGGACCGCCAG[G>A]TAAAGATGTGGAAGGGGACCCCTTTTGTGCACAGTGCCAAATGACAGATGTGTGCAAACC-3'

ClinVar aggregate classification (germline): Likely pathogenic (1 of 4 stars; one submission).

Submission:

Labcorp Genetics (formerly Invitae), Labcorp
Classification: Likely pathogenic. Last evaluated: 2024-03-16. Review status: criteria provided, single submitter. Criteria: Invitae Variant Classification Sherloc (09022015). Collection method: clinical testing. Allele origin: germline.
Comment: This sequence change affects a donor splice site in intron 21 of the COL4A3 gene. It is expected to disrupt RNA splicing. Variants that disrupt the donor or acceptor splice site typically lead to a loss of protein function (PMID: 16199547), and loss-of-function variants in COL4A3 are known to be pathogenic (PMID: 8956999, 24854265, 26809805, 27281700). This variant is not present in population databases (gnomAD no frequency). Disruption of this splice site has been observed in individual(s) with clinical features of Alport syndrome (Invitae). Algorithms developed to predict the effect of sequence changes on RNA splicing suggest that this variant may disrupt the consensus splice site. In summary, the currently available evidence indicates that the variant is pathogenic, but additional data are needed to prove that conclusively. Therefore, this variant has been classified as Likely Pathogenic.

Literature cited by the submitters: PubMed 16199547; PubMed 8956999; PubMed 24854265; PubMed 26809805; PubMed 27281700.